The following is an entry in ClinVar:

NM_003072.5(SMARCA4):c.3321C>T (p.Ser1107=)

Gene: SMARCA4 (SWI/SNF related BAF chromatin remodeling complex subunit ATPase 4; plus strand). Cytogenetic location: 19p13.2.
Variant type: single nucleotide variant.
Coding change: c.3321C>T on transcript NM_003072.5 (MANE Select); coding-DNA position 3321, C replaced by T.
Protein change: p.Ser1107=; no amino-acid change (serine 1107 retained).
Molecular consequence: synonymous variant. On other transcripts: non-coding transcript variant (1).
Genome position (GRCh38, 1-based): chr19:11,027,889, C>T. VCF-style: chr19-11027889-C-T. GRCh37 (hg19) VCF-style: chr19-11138565-C-T.
Other names: c.3321C>T, p.Ser1107= (NM_001128844.3, NM_001128845.2, NM_001128846.2 and 5 more transcripts).
Identifiers: ClinVar variation 415103 (VCV000415103.19), dbSNP rs367786588, ClinGen allele CA9204383.
Genomic context (GRCh38, chr19:11,027,889, plus strand): 5'-AATTCTTCCCAAACTCCGAGCAACCAACCACAAAGTGCTGCTGTTCTGCCAAATGACCTC[C>T]CTCATGACCATCATGGAAGATTACTTTGCGTATCGCGGCTTTAAATACCTCAGGCTTGAT-3'
Protein context (NP_003063.2, residues 1097-1117): HKVLLFCQMT[Ser1107=]LMTIMEDYFA

ClinVar aggregate classification (germline): Benign/Likely benign. Review status: criteria provided, multiple submitters, no conflicts (2 of 4 stars). 5 submissions from 5 submitters: Benign (1); Likely benign (4). Last evaluated 2026-07-14.

Conditions:
SMARCA4-related disorder. Also called: SMARCA4-related condition.
Hereditary cancer-predisposing syndrome. Also called: Hereditary Cancer Syndrome; Hereditary neoplastic syndrome; Neoplastic Syndromes, Hereditary; Tumor predisposition. Identifiers: Orphanet 140162, MedGen C0027672, MeSH D009386, MONDO:0015356.
Rhabdoid tumor predisposition syndrome 2 (RTPS2). Identifiers: Orphanet 231108, Orphanet 69077, MedGen C2750074, MONDO:0013224, OMIM 613325.

Allele frequency attached by ClinVar (database versions not stated): gnomAD exomes 0.00003 and 0.00002; gnomAD 0.00005; ESP Exome Variant Server 0.00008; ExAC 0.00003; TOPMed 0.00004.
gnomAD v4.1: 52 of 1,614,064 alleles (0.0032%); highest among the groups gnomAD compares: Non-Finnish European, 0.004%; no homozygotes.

Submissions (5):

Myriad Genetics, Inc.
Classification: Benign for Rhabdoid tumor predisposition syndrome 2. Last evaluated: 2026-07-14. Review status: criteria provided, single submitter. Criteria: Myriad Autosomal Dominant, Autosomal Recessive and X-Linked Classification Criteria (2023). Collection method: clinical testing. Allele origin: unknown.
Comment: This variant is considered benign. This variant is a silent/synonymous amino acid change and it is not expected to impact splicing.

PreventionGenetics, part of Exact Sciences
Classification: Likely benign for SMARCA4-related condition. Last evaluated: 2026-06-24. Review status: criteria provided, single submitter. Criteria: ACMG Guidelines, 2015. Collection method: clinical testing. Allele origin: germline.
Comment: This variant is classified as likely benign based on ACMG/AMP sequence variant interpretation guidelines (Richards et al. 2015 PMID: 25741868, with internal and published modifications).

Labcorp Genetics (formerly Invitae), Labcorp
Classification: Likely benign for Rhabdoid tumor predisposition syndrome 2. Last evaluated: 2026-01-13. Review status: criteria provided, single submitter. Criteria: Invitae Variant Classification Sherloc (09022015). Collection method: clinical testing. Allele origin: germline.

Quest Diagnostics Nichols Institute San Juan Capistrano
Classification: Likely benign. Last evaluated: 2021-05-12. Review status: criteria provided, single submitter. Criteria: Quest Diagnostics criteria. Collection method: clinical testing. Allele origin: unknown.

Ambry Genetics
Classification: Likely benign for Hereditary cancer-predisposing syndrome. Last evaluated: 2015-10-23. Review status: criteria provided, single submitter. Criteria: Ambry Variant Classification Scheme 2023. Collection method: clinical testing. Allele origin: germline.